The following is an entry in ClinVar:

ClinVar aggregate classification (germline): Uncertain significance. Review status: criteria provided, multiple submitters, no conflicts (2 of 4 stars). 2 submissions from 2 submitters: Uncertain significance (2). Last evaluated 2024-09-09.

Allele frequency attached by ClinVar (database versions not stated): gnomAD exomes below 0.00001; TOPMed below 0.00001; ExAC 0.00001.
gnomAD v4.1: 2 of 1,613,502 alleles (0.00012%); highest among the groups gnomAD compares: East Asian, 0.0022%; no homozygotes.

Submissions (2):

GeneDx
Classification: Uncertain significance. Last evaluated: 2024-09-09. Review status: criteria provided, single submitter. Criteria: GeneDx Variant Classification Process June 2021. Collection method: clinical testing. Allele origin: germline. Affected: yes.
Comment: Not observed at significant frequency in large population cohorts (gnomAD); In silico analysis indicates that this missense variant does not alter protein structure/function; Has not been previously published as pathogenic or benign to our knowledge

Labcorp Genetics (formerly Invitae), Labcorp
Classification: Uncertain significance. Last evaluated: 2022-12-05. Review status: criteria provided, single submitter. Criteria: Invitae Variant Classification Sherloc (09022015). Collection method: clinical testing. Allele origin: germline.
Comment: This variant has not been reported in the literature in individuals affected with CCDC50-related conditions. The frequency data for this variant in the population databases is considered unreliable, as metrics indicate poor data quality at this position in the gnomAD database. In summary, the available evidence is currently insufficient to determine the role of this variant in disease. Therefore, it has been classified as a Variant of Uncertain Significance. Algorithms developed to predict the effect of missense changes on protein structure and function output the following: SIFT: "Deleterious"; PolyPhen-2: "Benign"; Align-GVGD: "Class C0". The glycine amino acid residue is found in multiple mammalian species, which suggests that this missense change does not adversely affect protein function. This sequence change replaces arginine, which is basic and polar, with glycine, which is neutral and non-polar, at codon 309 of the CCDC50 protein (p.Arg309Gly).

NM_178335.3(CCDC50):c.925A>G (p.Arg309Gly)

Gene: CCDC50 (coiled-coil domain containing 50; plus strand). Cytogenetic location: 3q28.
Variant type: single nucleotide variant.
Coding change: c.925A>G on transcript NM_178335.3 (MANE Select); coding-DNA position 925, A replaced by G.
Protein change: p.Arg309Gly; replaces arginine 309 with glycine.
Molecular consequence: missense variant. On other transcripts: intron variant (1).
Genome position (GRCh38, 1-based): chr3:191,375,538, A>G. VCF-style: chr3-191375538-A-G. GRCh37 (hg19) VCF-style: chr3-191093327-A-G.
Other names: c.925A>G (NM_178335.2); c.449-4621A>G (NM_174908.4); short protein forms R309G.
Identifiers: ClinVar variation 3005877 (VCV003005877.4), dbSNP rs771676527, ClinGen allele CA2755350.